The following is an entry in ClinVar:

NM_001395413.1(POR):c.458del (p.Tyr153fs)

Gene: POR (cytochrome p450 oxidoreductase; plus strand). Cytogenetic location: 7q11.23.
Variant type: Deletion.
Coding change: c.458del on transcript NM_001395413.1 (MANE Select); coding-DNA position 458, one base deleted (A; older notation c.458delA).
Protein change: p.Tyr153fs; shifts the reading frame from tyrosine 153.
Molecular consequence: frameshift variant.
Genome position (GRCh38, 1-based): chr7:75,980,439, A deleted. VCF-style (leftmost placement, unchanged base first): chr7-75980438-TA-T. GRCh37 (hg19) VCF-style: chr7-75609756-TA-T.
Other names: c.467delA, p.Tyr156Serfs (NM_000941.2, NM_000941.3); c.458del, p.Tyr153fs (NM_001367562.3, NM_001382657.2, NM_001382658.3 and 2 more transcripts); c.512del, p.Tyr171fs (NM_001382655.3); short protein forms Y171fs, Y153fs.
Identifiers: ClinVar variation 2763217 (VCV002763217.3), dbSNP rs2535373095, ClinGen allele CA2697557315.
Genomic context (GRCh38, chr7:75,980,438, plus strand): 5'-GTGGTTTTCTGCATGGCCACCTACGGTGAGGGAGACCCCACCGACAATGCCCAGGACTTC[TA>T]CGACTGGCTGCAGGAGACAGACGTGGATCTCTCTGGGGTCAAGTTCGCGGTGAGTCACCC-3'

ClinVar aggregate classification (germline): Pathogenic (1 of 4 stars; one submission).

Conditions:
Congenital adrenal hyperplasia due to cytochrome P450 oxidoreductase deficiency. Also called: DISORDERED STEROIDOGENESIS DUE TO POR DEFICIENCY. Identifiers: Orphanet 95699, MedGen C1860042, MONDO:0013310, OMIM 613571.

Submission:

Labcorp Genetics (formerly Invitae), Labcorp
Classification: Pathogenic for Congenital adrenal hyperplasia due to cytochrome P450 oxidoreductase deficiency. Last evaluated: 2023-11-09. Review status: criteria provided, single submitter. Criteria: Invitae Variant Classification Sherloc (09022015). Collection method: clinical testing. Allele origin: germline.
Comment: This sequence change creates a premature translational stop signal (p.Tyr156Serfs*101) in the POR gene. It is expected to result in an absent or disrupted protein product. Loss-of-function variants in POR are known to be pathogenic (PMID: 14758361, 20732302, 21741353). This variant is not present in population databases (gnomAD no frequency). This variant has not been reported in the literature in individuals affected with POR-related conditions. For these reasons, this variant has been classified as Pathogenic.

Literature cited by the submitters: PubMed 14758361; PubMed 20732302; PubMed 21741353.